The following is an entry in ClinVar:

ClinVar aggregate classification (germline): Uncertain significance (1 of 4 stars; one submission).

Conditions:
Gastrointestinal stromal tumor. Also called: Gastrointestinal stromal tumor, somatic; Gastrointestinal stroma tumor. Identifiers: Orphanet 44890, MedGen C0238198, MeSH D046152, MONDO:0011719, OMIM 606764, HP:0100723.

Submission:

Labcorp Genetics (formerly Invitae), Labcorp
Classification: Uncertain significance for Gastrointestinal stromal tumor. Last evaluated: 2025-12-18. Review status: criteria provided, single submitter. Criteria: Invitae Variant Classification Sherloc (09022015). Collection method: clinical testing. Allele origin: germline.
Comment: This sequence change replaces leucine, which is neutral and non-polar, with valine, which is neutral and non-polar, at codon 221 of the PDGFRA protein (p.Leu221Val). This variant is not present in population databases (gnomAD no frequency). This variant has not been reported in the literature in individuals affected with PDGFRA-related conditions. An algorithm developed to predict the effect of missense changes on protein structure and function outputs the following: PolyPhen-2: "Benign". The valine amino acid residue is found in multiple mammalian species, which suggests that this missense change does not adversely affect protein function. In summary, the available evidence is currently insufficient to determine the role of this variant in disease. Therefore, it has been classified as a Variant of Uncertain Significance.

NM_006206.6(PDGFRA):c.661C>G (p.Leu221Val)

Gene: PDGFRA (platelet derived growth factor receptor alpha; plus strand). Cytogenetic location: 4q12.
Variant type: single nucleotide variant.
Coding change: c.661C>G on transcript NM_006206.6 (MANE Select); coding-DNA position 661, C replaced by G.
Protein change: p.Leu221Val; replaces leucine 221 with valine.
Molecular consequence: missense variant.
Genome position (GRCh38, 1-based): chr4:54,264,951, C>G. VCF-style: chr4-54264951-C-G. GRCh37 (hg19) VCF-style: chr4-55131118-C-G.
Other names: c.661C>G, p.Leu221Val (NM_001347827.2, NM_001347829.2); c.736C>G, p.Leu246Val (NM_001347828.2); c.700C>G, p.Leu234Val (NM_001347830.2); short protein forms L234V, L246V, L221V.
Identifiers: ClinVar variation 4733594 (VCV004733594.1).